The following is an entry in ClinVar:

ClinVar aggregate classification (germline): Benign. Review status: criteria provided, multiple submitters, no conflicts (2 of 4 stars). 8 submissions from 8 submitters: Benign (7). 1 of the submissions does not count toward it. Last evaluated 2026-02-02.

Conditions:
Congenital disorder of glycosylation (CDG). Also called: Congenital disorders of glycosylation; Carbohydrate-deficient glycoprotein syndrome. Identifiers: Orphanet 137, MedGen C0282577, MONDO:0015286.
Intellectual developmental disorder, autosomal recessive 7. Also called: Intellectual disability, autosomal recessive 7. Identifiers: Orphanet 88616, MedGen C1970197, MONDO:0012615, OMIM 611093.

Allele frequency attached by ClinVar (database versions not stated): 1000 Genomes Project 0.29313; 1000 Genomes Project 30x 0.29372; TOPMed 0.30160; ESP Exome Variant Server 0.30717; gnomAD 0.31124 and 0.31126; ExAC 0.33798; gnomAD exomes 0.34472 and 0.35405.
gnomAD v4.1: 564,398 of 1,612,634 alleles (35%); highest among the groups gnomAD compares: East Asian, 39%; 101,365 homozygotes.

Submissions (8):

Labcorp Genetics (formerly Invitae), Labcorp
Classification: Benign for Intellectual developmental disorder, autosomal recessive 7. Last evaluated: 2026-02-02. Review status: criteria provided, single submitter. Criteria: Invitae Variant Classification Sherloc (09022015). Collection method: clinical testing. Allele origin: germline.

Mayo Clinic Laboratories, Mayo Clinic
Classification: Benign. Last evaluated: 2018-10-02. Review status: criteria provided, single submitter. Criteria: ACMG Guidelines, 2015. Collection method: clinical testing. Allele origin: germline. Observed: 28 variant alleles.

GeneDx
Classification: Benign. Last evaluated: 2018-09-04. Review status: criteria provided, single submitter. Criteria: GeneDx Variant Classification Process June 2021. Collection method: clinical testing. Allele origin: germline. Affected: yes.

Illumina Laboratory Services, Illumina
Classification: Benign for Congenital disorder of glycosylation. Last evaluated: 2018-01-12. Review status: criteria provided, single submitter. Criteria: ICSL Variant Classification Criteria 13 December 2019. Collection method: clinical testing. Allele origin: germline.
Comment: This variant was observed in the ICSL laboratory as part of a predisposition screen in an ostensibly healthy population. It had not been previously curated by ICSL or reported in the Human Gene Mutation Database (HGMD: prior to June 1st, 2018), and was therefore a candidate for classification through an automated scoring system. Utilizing variant allele frequency, disease prevalence and penetrance estimates, and inheritance mode, an automated score was calculated to assess if this variant is too frequent to cause the disease. Based on the score and internal cut-off values, a variant classified as benign is not then subjected to further curation. The score for this variant resulted in a classification of benign for this disease.

Eurofins Ntd Llc (ga)
Classification: Benign. Last evaluated: 2012-07-26. Review status: criteria provided, single submitter. Criteria: EGL Classification Definitions 2015. Collection method: clinical testing. Allele origin: germline. Observed: 19 variant alleles, 12 heterozygotes, 7 homozygotes.

Breakthrough Genomics
Classification: Benign. Review status: criteria provided, single submitter. Criteria: ACMG Guidelines, 2015. Collection method: not provided. Allele origin: germline. Inheritance: Autosomal recessive inheritance. Affected: yes.

PreventionGenetics, part of Exact Sciences
Classification: Benign. Review status: criteria provided, single submitter. Criteria: ACMG Guidelines, 2015. Collection method: clinical testing. Allele origin: germline.

Genetic Services Laboratory, University of Chicago
Classification: Likely benign for AllHighlyPenetrant. Review status: no assertion criteria provided. Collection method: clinical testing. Allele origin: germline. Inheritance: Autosomal recessive inheritance. Not counted in ClinVar's aggregate classification.
Comment: Likely benign based on allele frequency in 1000 Genomes Project or ESP global frequency and its presence in a patient with a rare or unrelated disease phenotype. NOT Sanger confirmed.

NM_006765.4(TUSC3):c.309-6T>C

Gene: TUSC3 (tumor suppressor candidate 3; plus strand). Cytogenetic location: 8p22.
Variant type: single nucleotide variant.
Coding change: c.309-6T>C on transcript NM_006765.4 (MANE Select); 6 bases into the intron before coding-DNA position 309, T replaced by C.
Molecular consequence: intron variant.
Genome position (GRCh38, 1-based): chr8:15,650,691, T>C. VCF-style: chr8-15650691-T-C. GRCh37 (hg19) VCF-style: chr8-15508200-T-C.
Other names: p.?; c.309-6T>C (NM_178234.2, NM_001356429.2).
Identifiers: ClinVar variation 95430 (VCV000095430.26), dbSNP rs1035972, ClinGen allele CA148533.
Genomic context (GRCh38, chr8:15,650,691, plus strand): 5'-TTAATAACTGCTTTGTAGATGCTTCAGTACTGATGTGTTTCTACTATGGCCCATTATTCT[T>C]ATCAGGCAAGCTAATGAAGAATATCAAATACTGGCGAACTCCTGGCGCTATTCATCTGCT-3'